The following is an entry in ClinVar:

ClinVar aggregate classification (germline): Benign. Review status: criteria provided, multiple submitters, no conflicts (2 of 4 stars). 5 submissions from 5 submitters: Benign (5). Last evaluated 2026-05-09.

Allele frequency attached by ClinVar (database versions not stated): gnomAD exomes 0.02037 and 0.02926; ExAC 0.02953; ESP Exome Variant Server 0.03145; gnomAD 0.03510 and 0.03514; TOPMed 0.03794; 1000 Genomes Project 0.05132; 1000 Genomes Project 30x 0.05169.
gnomAD v4.1: 35,482 of 1,613,744 alleles (2.2%); highest among the groups gnomAD compares: East Asian, 15%; 960 homozygotes.

Submissions (17):

Women's Health and Genetics/Laboratory Corporation of America, LabCorp
Classification: Benign. Last evaluated: 2026-05-09. Review status: criteria provided, single submitter. Criteria: LabCorp Variant Classification Summary - May 2015. Collection method: clinical testing. Allele origin: germline.

Labcorp Genetics (formerly Invitae), Labcorp
Classification: Benign. Last evaluated: 2026-02-04. Review status: criteria provided, single submitter. Criteria: Invitae Variant Classification Sherloc (09022015). Collection method: clinical testing. Allele origin: germline.

GeneDx
Classification: Benign. Last evaluated: 2018-01-04. Review status: criteria provided, single submitter. Criteria: GeneDx Variant Classification (06012015). Collection method: clinical testing. Allele origin: germline. Affected: yes.
Comment: This variant is considered likely benign or benign based on one or more of the following criteria: it is a conservative change, it occurs at a poorly conserved position in the protein, it is predicted to be benign by multiple in silico algorithms, and/or has population frequency not consistent with disease.

Breakthrough Genomics
Classification: Benign. Review status: criteria provided, single submitter. Criteria: ACMG Guidelines, 2015. Collection method: not provided. Allele origin: germline. Inheritance: Autosomal recessive inheritance. Affected: yes.

PreventionGenetics, part of Exact Sciences
Classification: Benign. Review status: criteria provided, single submitter. Criteria: ACMG Guidelines, 2015. Collection method: clinical testing. Allele origin: germline.

Dr. Peter K. Rogan Lab, Western University
No classification provided (evidence only). Condition: Uterine corpus endometrial carcinoma. Review status: no classification provided. Collection method: in vitro. Allele origin: not applicable. Functional consequence: skipped exon. Not counted in ClinVar's aggregate classification.

Dr. Peter K. Rogan Lab, Western University
No classification provided (evidence only). Condition: Uterine corpus endometrial carcinoma. Review status: no classification provided. Collection method: in vitro. Allele origin: not applicable. Functional consequence: retained intron. Not counted in ClinVar's aggregate classification.

Dr. Peter K. Rogan Lab, Western University
No classification provided (evidence only). Condition: Uterine corpus endometrial carcinoma. Review status: no classification provided. Collection method: in vitro. Allele origin: not applicable. Functional consequence: skipped exon, retained intron. Not counted in ClinVar's aggregate classification.

Dr. Peter K. Rogan Lab, Western University
No classification provided (evidence only). Condition: Cervical cancer. Review status: no classification provided. Collection method: in vitro. Allele origin: not applicable. Functional consequence: retained intron. Not counted in ClinVar's aggregate classification.

Dr. Peter K. Rogan Lab, Western University
No classification provided (evidence only). Condition: Cervical cancer. Review status: no classification provided. Collection method: in vitro. Allele origin: not applicable. Functional consequence: skipped exon. Not counted in ClinVar's aggregate classification.

Dr. Peter K. Rogan Lab, Western University
No classification provided (evidence only). Condition: Cervical cancer. Review status: no classification provided. Collection method: in vitro. Allele origin: not applicable. Functional consequence: skipped exon. Not counted in ClinVar's aggregate classification.

Dr. Peter K. Rogan Lab, Western University
No classification provided (evidence only). Condition: Cervical cancer. Review status: no classification provided. Collection method: in vitro. Allele origin: not applicable. Functional consequence: skipped exon, retained intron. Not counted in ClinVar's aggregate classification.

Dr. Peter K. Rogan Lab, Western University
No classification provided (evidence only). Condition: Cervical cancer. Review status: no classification provided. Collection method: in vitro. Allele origin: not applicable. Functional consequence: skipped exon, retained intron. Not counted in ClinVar's aggregate classification.

Dr. Peter K. Rogan Lab, Western University
No classification provided (evidence only). Condition: Sarcoma. Review status: no classification provided. Collection method: in vitro. Allele origin: not applicable. Functional consequence: retained intron. Not counted in ClinVar's aggregate classification.

Dr. Peter K. Rogan Lab, Western University
No classification provided (evidence only). Condition: Ovarian serous cystadenocarcinoma. Review status: no classification provided. Collection method: in vitro. Allele origin: not applicable. Functional consequence: skipped exon, retained intron. Not counted in ClinVar's aggregate classification.

Dr. Peter K. Rogan Lab, Western University
No classification provided (evidence only). Condition: Ovarian serous cystadenocarcinoma. Review status: no classification provided. Collection method: in vitro. Allele origin: not applicable. Functional consequence: skipped exon. Not counted in ClinVar's aggregate classification.

Dr. Peter K. Rogan Lab, Western University
No classification provided (evidence only). Condition: Gastric cancer. Review status: no classification provided. Collection method: in vitro. Allele origin: not applicable. Functional consequence: skipped exon. Not counted in ClinVar's aggregate classification.

NM_001853.4(COL9A3):c.1548+16G>A

Genes: COL9A3 (collagen type IX alpha 3 chain; plus strand), LOC126863084 (MED14-independent group 3 enhancer GRCh37_chr20:61467141-61468340; plus strand). Cytogenetic location: 20q13.33.
Variant type: single nucleotide variant.
Coding change: c.1548+16G>A on transcript NM_001853.4 (MANE Select); 16 bases into the intron after coding-DNA position 1548, G replaced by A.
Molecular consequence: intron variant.
Genome position (GRCh38, 1-based): chr20:62,836,349, G>A. VCF-style: chr20-62836349-G-A. GRCh37 (hg19) VCF-style: chr20-61467701-G-A.
Other names: c.1548+16G>A (LRG_1253t1).
Identifiers: ClinVar variation 258412 (VCV000258412.14), dbSNP rs3765462, ClinGen allele CA9950027.
Genomic context (GRCh38, chr20:62,836,349, plus strand): 5'-GGCGTCCCGGGTGTTCCTGGCATCACGGGGAAGCCGGGAGTTCCGGTACGTCGCTTTTCC[G>A]GCTTTTCCAGCTTTCACAGGGTTGAGATCGTGTTTTTTCCGGAAGGAAGTTACTTTGCGG-3'